The following is an entry in ClinVar:

ClinVar aggregate classification (germline): Uncertain significance (1 of 4 stars; one submission).

Submission:

Ambry Genetics
Classification: Uncertain significance. Last evaluated: 2025-10-09. Review status: criteria provided, single submitter. Criteria: Ambry Variant Classification Scheme 2023. Collection method: clinical testing. Allele origin: germline.
Comment: The p.S119I variant (also known as c.356G>T), located in coding exon 1 of the PALLD gene, results from a G to T substitution at nucleotide position 356. The serine at codon 119 is replaced by isoleucine, an amino acid with dissimilar properties. This amino acid position is conserved. In addition, this alteration is predicted to be tolerated by in silico analysis. Based on the available evidence, the clinical significance of this variant remains unclear.

NM_001166108.2(PALLD):c.1965-12675G>T

Gene: PALLD (palladin, cytoskeletal associated protein; plus strand). Cytogenetic location: 4q32.3.
Variant type: single nucleotide variant.
Coding change: c.1965-12675G>T on transcript NM_001166108.2 (MANE Select); 12675 bases into the intron before coding-DNA position 1965, G replaced by T.
Molecular consequence: intron variant. On other transcripts: missense variant (1).
Genome position (GRCh38, 1-based): chr4:168,878,247, G>T. VCF-style: chr4-168878247-G-T. GRCh37 (hg19) VCF-style: chr4-169799398-G-T.
Other names: c.356G>T, p.Ser119Ile (NM_001166110.2); c.1965-12675G>T (NM_016081.4); c.819-12675G>T (NM_001166109.2); c.-157-12675G>T (NM_001367570.1, NM_001367568.1, NM_001367567.1 and 1 more transcripts); short protein forms S119I.
Identifiers: ClinVar variation 4564157 (VCV004564157.1).
Genomic context (GRCh38, chr4:168,878,247, plus strand): 5'-CGGCTGCCTTCCCGGTGCCCGACGTGTTCCCACTGCCGCCGCCACCACCGCCGCTCCCGA[G>T]CCCGGGACAGGCGTCCCACTGCTCGTCGCCTGCCACCCGCTTCGGCCACAGCCAGACGCC-3'